The following is an entry in ClinVar:

ClinVar aggregate classification (germline): Uncertain significance (1 of 4 stars; one submission).

Submission:

GeneDx
Classification: Uncertain significance. Last evaluated: 2019-05-01. Review status: criteria provided, single submitter. Criteria: GeneDx Variant Classification Process June 2021. Collection method: clinical testing. Allele origin: germline. Affected: yes.
Comment: Not observed in large population cohorts (Lek et al., 2016); Has not been previously published as pathogenic or benign to our knowledge

NM_000751.3(CHRND):c.1328A>G (p.Asn443Ser)

Gene: CHRND (cholinergic receptor nicotinic delta subunit; plus strand). Cytogenetic location: 2q37.1.
Variant type: single nucleotide variant.
Coding change: c.1328A>G on transcript NM_000751.3 (MANE Select); coding-DNA position 1328, A replaced by G.
Protein change: p.Asn443Ser; replaces asparagine 443 with serine.
Molecular consequence: missense variant.
Genome position (GRCh38, 1-based): chr2:232,534,299, A>G. VCF-style: chr2-232534299-A-G. GRCh37 (hg19) VCF-style: chr2-233399009-A-G.
Other names: c.1283A>G, p.Asn428Ser (NM_001256657.2); c.746A>G, p.Asn249Ser (NM_001311195.2); c.1025A>G, p.Asn342Ser (NM_001311196.2); short protein forms N249S, N342S, N428S, N443S.
Identifiers: ClinVar variation 1302902 (VCV001302902.2), dbSNP rs2106214738, ClinGen allele CA351005718.